The following is an entry in ClinVar:

ClinVar aggregate classification (germline): Uncertain significance (1 of 4 stars; one submission).

Conditions:
Hypertrophic cardiomyopathy. Also called: HYPERTROPHIC MYOCARDIOPATHY. Identifiers: Orphanet 217569, MedGen C0007194, MeSH D002312, MONDO:0005045, HP:0001639.

Submission:

Labcorp Genetics (formerly Invitae), Labcorp
Classification: Uncertain significance for Hypertrophic cardiomyopathy. Last evaluated: 2024-10-29. Review status: criteria provided, single submitter. Criteria: Invitae Variant Classification Sherloc (09022015). Collection method: clinical testing. Allele origin: germline.
Comment: This sequence change replaces lysine, which is basic and polar, with glutamic acid, which is acidic and polar, at codon 1651 of the MYH7 protein (p.Lys1651Glu). This variant is not present in population databases (gnomAD no frequency). This variant has not been reported in the literature in individuals affected with MYH7-related conditions. An algorithm developed to predict the effect of missense changes on protein structure and function (PolyPhen-2) suggests that this variant is likely to be disruptive. In summary, the available evidence is currently insufficient to determine the role of this variant in disease. Therefore, it has been classified as a Variant of Uncertain Significance.

NM_000257.4(MYH7):c.4951A>G (p.Lys1651Glu)

Genes: MHRT (myosin heavy chain associated RNA transcript; plus strand), MYH7 (myosin heavy chain 7; minus strand), LOC126861897 (BRD4-independent group 4 enhancer GRCh37_chr14:23884455-23885654; plus strand). Cytogenetic location: 14q11.2.
Variant type: single nucleotide variant.
Coding change: c.4951A>G on transcript NM_000257.4 (MANE Select); coding-DNA position 4951, A replaced by G.
Protein change: p.Lys1651Glu; replaces lysine 1651 with glutamic acid.
Molecular consequence: missense variant. On other transcripts: non-coding transcript variant (1).
Genome position (GRCh38, 1-based): chr14:23,416,006, T>C on the plus strand (A>G on the coding strand, the complement: MYH7 is on the minus strand). VCF-style: chr14-23416006-T-C. GRCh37 (hg19) VCF-style: chr14-23885215-T-C.
Other names: c.4951A>G, p.Lys1651Glu (NM_001407004.1); short protein forms K1651E.
Identifiers: ClinVar variation 3663798 (VCV003663798.2).